The following is an entry in ClinVar:

NM_170606.3(KMT2C):c.14708C>T (p.Ala4903Val)

Gene: KMT2C (lysine methyltransferase 2C; minus strand). Cytogenetic location: 7q36.1.
Variant type: single nucleotide variant.
Coding change: c.14708C>T on transcript NM_170606.3 (MANE Select); coding-DNA position 14708, C replaced by T.
Protein change: p.Ala4903Val; replaces alanine 4903 with valine.
Molecular consequence: missense variant.
Genome position (GRCh38, 1-based): chr7:152,136,860, G>A on the plus strand (C>T on the coding strand, the complement: KMT2C is on the minus strand). VCF-style: chr7-152136860-G-A. GRCh37 (hg19) VCF-style: chr7-151833945-G-A.
Other names: short protein forms A4903V.
Identifiers: ClinVar variation 3906657 (VCV003906657.1).
Genomic context (GRCh38, chr7:152,136,860, plus strand): 5'-AAGCCGCCCGCTGAGCTAGCAAGGAATGCATTTCAGTTCATCCACTTCCGGCAGTTCACA[G>A]CTCCACAGTGACACGGAATCTTGTGCTGGTCATCTTCAAAGTCAAACTTATAGTCATAGC-3'
Protein context (NP_733751.2, residues 4893-4911): DQHKIPCHCG[Ala4903Val]VNCRKWMN

ClinVar aggregate classification (germline): Uncertain significance (1 of 4 stars; one submission).

gnomAD v4.1: 1 of 1,613,596 alleles (0.000062%); highest among the groups gnomAD compares: South Asian, 0.0011%; no homozygotes.

Submission:

GeneDx
Classification: Uncertain significance. Last evaluated: 2024-12-17. Review status: criteria provided, single submitter. Criteria: GeneDx Variant Classification Process June 2021. Collection method: clinical testing. Allele origin: germline. Affected: yes.
Comment: Not observed at significant frequency in large population cohorts (gnomAD); In silico analysis supports that this missense variant has a deleterious effect on protein structure/function; Has not been previously published as pathogenic or benign to our knowledge